The following is an entry in ClinVar:

ClinVar aggregate classification (germline): Uncertain significance. Review status: criteria provided, single submitter (1 of 4 stars). 2 submissions from 2 submitters: Uncertain significance (1). 1 of the submissions does not count toward it. Last evaluated 2022-06-24.

Conditions:
Autosomal recessive inherited pseudoxanthoma elasticum (PXE). Identifiers: Orphanet 758, MedGen CN032334, MONDO:0009925, OMIM 264800.

Submissions (2):

Labcorp Genetics (formerly Invitae), Labcorp
Classification: Uncertain significance. Last evaluated: 2022-06-24. Review status: criteria provided, single submitter. Criteria: Invitae Variant Classification Sherloc (09022015). Collection method: clinical testing. Allele origin: germline.
Comment: This variant is not present in population databases (gnomAD no frequency). In summary, the available evidence is currently insufficient to determine the role of this variant in disease. Therefore, it has been classified as a Variant of Uncertain Significance. Advanced modeling of protein sequence and biophysical properties (such as structural, functional, and spatial information, amino acid conservation, physicochemical variation, residue mobility, and thermodynamic stability) performed at Invitae indicates that this missense variant is expected to disrupt ABCC6 protein function. ClinVar contains an entry for this variant (Variation ID: 812211). This missense change has been observed in individual(s) with ABCC6-related conditions (PMID: 31456290). This sequence change replaces glycine, which is neutral and non-polar, with glutamic acid, which is acidic and polar, at codon 1475 of the ABCC6 protein (p.Gly1475Glu).

Sharon lab, Hadassah-Hebrew University Medical Center
Classification: Likely pathogenic for Pseudoxanthoma elasticum. Last evaluated: 2019-06-23. Review status: no assertion criteria provided. Collection method: research. Allele origin: inherited. Affected: yes. Not counted in ClinVar's aggregate classification.

Literature cited by the submitters: PubMed 31456290 (cited by Labcorp Genetics (formerly Invitae), Labcorp).

NM_001171.6(ABCC6):c.4424G>A (p.Gly1475Glu)

Gene: ABCC6 (ATP binding cassette subfamily C member 6; minus strand). Cytogenetic location: 16p13.11.
Variant type: single nucleotide variant.
Coding change: c.4424G>A on transcript NM_001171.6 (MANE Select); coding-DNA position 4424, G replaced by A.
Protein change: p.Gly1475Glu; replaces glycine 1475 with glutamic acid.
Molecular consequence: missense variant. On other transcripts: non-coding transcript variant (1).
Genome position (GRCh38, 1-based): chr16:16,150,221, C>T on the plus strand (G>A on the coding strand, the complement: ABCC6 is on the minus strand). VCF-style: chr16-16150221-C-T. GRCh37 (hg19) VCF-style: chr16-16244078-C-T.
Other names: c.4082G>A, p.Gly1361Glu (NM_001351800.1); short protein forms G1475E, G1361E.
Identifiers: ClinVar variation 812211 (VCV000812211.6), dbSNP rs1596578599, ClinGen allele CA394883613.